The following is an entry in ClinVar:

NM_000264.5(PTCH1):c.1646C>T (p.Ala549Val)

Gene: PTCH1 (patched 1; minus strand). Cytogenetic location: 9q22.32.
Variant type: single nucleotide variant.
Coding change: c.1646C>T on transcript NM_000264.5 (MANE Select); coding-DNA position 1646, C replaced by T.
Protein change: p.Ala549Val; replaces alanine 549 with valine.
Molecular consequence: missense variant. On other transcripts: non-coding transcript variant (1).
Genome position (GRCh38, 1-based): chr9:95,476,116, G>A on the plus strand (C>T on the coding strand, the complement: PTCH1 is on the minus strand). VCF-style: chr9-95476116-G-A. GRCh37 (hg19) VCF-style: chr9-98238398-G-A.
Other names: c.1448C>T, p.Ala483Val (NM_001083602.3); c.1643C>T, p.Ala548Val (NM_001083603.3); c.1193C>T, p.Ala398Val (NM_001083604.3, NM_001083605.3, NM_001083606.3 and 1 more transcripts); c.1490C>T, p.Ala497Val (NM_001354918.2); short protein forms A497V, A398V, A548V, A483V, A549V.
Identifiers: ClinVar variation 819720 (VCV000819720.14), dbSNP rs759078774, ClinGen allele CA5138591.

ClinVar aggregate classification (germline): Uncertain significance. Review status: criteria provided, multiple submitters, no conflicts (2 of 4 stars). 4 submissions from 4 submitters: Uncertain significance (4). Last evaluated 2025-12-22.

Conditions:
Hereditary cancer-predisposing syndrome. Also called: Tumor predisposition; Hereditary Cancer Syndrome; Neoplastic Syndromes, Hereditary; Hereditary neoplastic syndrome. Identifiers: Orphanet 140162, MedGen C0027672, MeSH D009386, MONDO:0015356.
Basal cell carcinoma, susceptibility to, 1. Also called: BCC1. Identifiers: MedGen C2751544, MONDO:0011556, OMIM 605462.
Gorlin syndrome. Also called: Nevoid Basal Cell Carcinoma Syndrome; Basal cell nevus syndrome. Identifiers: Orphanet 377, MedGen C0004779, MONDO:0007187.
Holoprosencephaly 7 (HPE7). Identifiers: Orphanet 2162, MedGen C1835820, MONDO:0012562, OMIM 610828.

Allele frequency attached by ClinVar (database versions not stated): ExAC 0.00001; gnomAD 0.00001; gnomAD exomes below 0.00001; TOPMed below 0.00001.
gnomAD v4.1: 4 of 1,613,600 alleles (0.00025%); highest among the groups gnomAD compares: Non-Finnish European, 0.000085%; no homozygotes.

Submissions (4):

Praxis Für Humangenetik, Biosciencia MVZ Labor Saar
Classification: Uncertain significance for Hereditary cancer-predisposing syndrome. Last evaluated: 2025-12-22. Review status: criteria provided, single submitter. Criteria: ACMG Guidelines, 2015. Collection method: clinical testing. Allele origin: germline.
Comment: PM2

Ambry Genetics
Classification: Uncertain significance for Hereditary cancer-predisposing syndrome. Last evaluated: 2024-06-08. Review status: criteria provided, single submitter. Criteria: Ambry Variant Classification Scheme 2023. Collection method: clinical testing. Allele origin: germline.
Comment: The p.A549V variant (also known as c.1646C>T), located in coding exon 12 of the PTCH1 gene, results from a C to T substitution at nucleotide position 1646. The alanine at codon 549 is replaced by valine, an amino acid with similar properties. This amino acid position is highly conserved in available vertebrate species. In addition, this alteration is predicted to be deleterious by in silico analysis. Since supporting evidence is limited at this time, the clinical significance of this alteration remains unclear.

Labcorp Genetics (formerly Invitae), Labcorp
Classification: Uncertain significance for Gorlin syndrome. Last evaluated: 2023-12-12. Review status: criteria provided, single submitter. Criteria: Invitae Variant Classification Sherloc (09022015). Collection method: clinical testing. Allele origin: germline.
Comment: This sequence change replaces alanine, which is neutral and non-polar, with valine, which is neutral and non-polar, at codon 549 of the PTCH1 protein (p.Ala549Val). This variant is present in population databases (rs759078774, gnomAD 0.0009%). This variant has not been reported in the literature in individuals affected with PTCH1-related conditions. ClinVar contains an entry for this variant (Variation ID: 819720). Advanced modeling of protein sequence and biophysical properties (such as structural, functional, and spatial information, amino acid conservation, physicochemical variation, residue mobility, and thermodynamic stability) performed at Invitae indicates that this missense variant is not expected to disrupt PTCH1 protein function with a negative predictive value of 95%. In summary, the available evidence is currently insufficient to determine the role of this variant in disease. Therefore, it has been classified as a Variant of Uncertain Significance.

Fulgent Genetics
Classification: Uncertain significance for Basal cell nevus syndrome 1; Basal cell carcinoma, susceptibility to, 1; Holoprosencephaly 7. Last evaluated: 2021-11-24. Review status: criteria provided, single submitter. Criteria: ACMG Guidelines, 2015. Collection method: clinical testing. Allele origin: unknown.